The following is an entry in ClinVar:

ClinVar aggregate classification (germline): Uncertain significance. Review status: criteria provided, multiple submitters, no conflicts (2 of 4 stars). 2 submissions from 2 submitters: Uncertain significance (2). Last evaluated 2024-06-23.

Conditions:
Juvenile polyposis syndrome (JPS). Identifiers: Orphanet 2929, MedGen C0345893, MONDO:0017380, OMIM 174900.
Hereditary cancer-predisposing syndrome. Also called: Neoplastic Syndromes, Hereditary; Hereditary Cancer Syndrome; Hereditary neoplastic syndrome; Tumor predisposition. Identifiers: Orphanet 140162, MedGen C0027672, MeSH D009386, MONDO:0015356.

Allele frequency attached by ClinVar (database versions not stated): gnomAD exomes below 0.00001.
gnomAD v4.1: 2 of 1,613,920 alleles (0.00012%); highest among the groups gnomAD compares: Admixed American, 0.0017%; no homozygotes.

Submissions (2):

Ambry Genetics
Classification: Uncertain significance for Hereditary cancer-predisposing syndrome. Last evaluated: 2024-06-23. Review status: criteria provided, single submitter. Criteria: Ambry Variant Classification Scheme 2023. Collection method: clinical testing. Allele origin: germline.
Comment: The p.I169V variant (also known as c.505A>G), located in coding exon 5 of the BMPR1A gene, results from an A to G substitution at nucleotide position 505. The isoleucine at codon 169 is replaced by valine, an amino acid with highly similar properties. This amino acid position is well conserved in available vertebrate species. In addition, this alteration is predicted to be tolerated by in silico analysis. Since supporting evidence is limited at this time, the clinical significance of this alteration remains unclear.

Labcorp Genetics (formerly Invitae), Labcorp
Classification: Uncertain significance for Juvenile polyposis syndrome. Last evaluated: 2024-04-12. Review status: criteria provided, single submitter. Criteria: Invitae Variant Classification Sherloc (09022015). Collection method: clinical testing. Allele origin: germline.
Comment: This sequence change replaces isoleucine, which is neutral and non-polar, with valine, which is neutral and non-polar, at codon 169 of the BMPR1A protein (p.Ile169Val). This variant is present in population databases (no rsID available, gnomAD 0.003%). This variant has not been reported in the literature in individuals affected with BMPR1A-related conditions. ClinVar contains an entry for this variant (Variation ID: 825409). Advanced modeling of protein sequence and biophysical properties (such as structural, functional, and spatial information, amino acid conservation, physicochemical variation, residue mobility, and thermodynamic stability) performed at Invitae indicates that this missense variant is not expected to disrupt BMPR1A protein function with a negative predictive value of 80%. In summary, the available evidence is currently insufficient to determine the role of this variant in disease. Therefore, it has been classified as a Variant of Uncertain Significance.

NM_004329.3(BMPR1A):c.505A>G (p.Ile169Val)

Gene: BMPR1A (bone morphogenetic protein receptor type 1A; plus strand). Cytogenetic location: 10q23.2.
Variant type: single nucleotide variant.
Coding change: c.505A>G on transcript NM_004329.3 (MANE Select); coding-DNA position 505, A replaced by G.
Protein change: p.Ile169Val; replaces isoleucine 169 with valine.
Molecular consequence: missense variant.
Genome position (GRCh38, 1-based): chr10:86,900,101, A>G. VCF-style: chr10-86900101-A-G. GRCh37 (hg19) VCF-style: chr10-88659858-A-G.
Other names: short protein forms I169V.
Identifiers: ClinVar variation 825409 (VCV000825409.7), dbSNP rs878854668, ClinGen allele CA377450608.